The following is an entry in ClinVar:

NM_001706.5(BCL6):c.905A>G (p.Glu302Gly)

Genes: BCL6 (BCL6 transcription repressor; minus strand), LOC100131635 (hCG1645011-like; plus strand). Cytogenetic location: 3q27.3.
Variant type: single nucleotide variant.
Coding change: c.905A>G on transcript NM_001706.5 (MANE Select); coding-DNA position 905, A replaced by G.
Protein change: p.Glu302Gly; replaces glutamic acid 302 with glycine.
Molecular consequence: missense variant.
Genome position (GRCh38, 1-based): chr3:187,729,500, T>C on the plus strand (A>G on the coding strand, the complement: BCL6 is on the minus strand). VCF-style: chr3-187729500-T-C. GRCh37 (hg19) VCF-style: chr3-187447288-T-C.
Other names: c.905A>G, p.Glu302Gly (NM_001134738.2, NM_001130845.2); short protein forms E302G.
Identifiers: ClinVar variation 133671 (VCV000133671.1), dbSNP rs587778091, ClinGen allele CA157271.

ClinVar aggregate classification (germline): not provided (0 of 4 stars; one submission).

Allele frequency attached by ClinVar (database versions not stated): gnomAD exomes 0.00001; gnomAD 0.00001; TOPMed 0.00001; ExAC 0.00001.
gnomAD v4.1: 21 of 1,613,372 alleles (0.0013%); highest among the groups gnomAD compares: Non-Finnish European, 0.0017%; no homozygotes.

Submission:

ITMI
No classification provided. Condition: AllHighlyPenetrant. Last evaluated: 2013-09-19. Review status: no classification provided. Collection method: reference population. Allele origin: germline.
Comment: Please see associated publication for description of ethnicities

Literature cited by the submitters: PubMed 24728327.